The following continues an entry in ClinVar:

NM_001267550.2(TTN):c.39466C>A (p.Pro13156Thr)

Gene: TTN. ClinVar aggregate classification (germline): Conflicting classifications of pathogenicity. Uncertain significance (7); Benign (5); Likely benign (6).

Submissions 16 to 23 of 23:

Eurofins Ntd Llc (ga)
Classification: Uncertain significance. Last evaluated: 2015-02-09. Review status: criteria provided, single submitter. Criteria: EGL Classification Definitions 2015. Collection method: clinical testing. Allele origin: germline. Observed: 6 variant alleles, 6 heterozygotes.

Laboratory for Molecular Medicine, Mass General Brigham Personalized Medicine
Classification: Uncertain significance. Last evaluated: 2014-06-30. Review status: criteria provided, single submitter. Criteria: LMM Criteria. Collection method: clinical testing. Allele origin: germline. Observed: 1 variant allele.
Comment: The Pro10722Thr variant in TTN has not been previously reported in individuals w ith cardiomyopathy, but has been identified in 5/8168 of European American chrom osomes by the NHLBI Exome Sequencing Project (dbSNP rs72650064). Computational prediction tools and conservation analysis do not provide strong support for or against an impact to the protein. In summary, the clinical significance of the Pro10722Thr variant is uncertain.

Ambry Genetics
Classification: Uncertain significance for Cardiovascular phenotype. Last evaluated: 2013-05-08. Review status: criteria provided, single submitter. Criteria: Ambry Autosomal Dominant and X-Linked criteria (10/2015). Collection method: clinical testing. Allele origin: germline. Observed: 1 variant allele.
Comment: There is insufficient or conflicting evidence for classification of this alteration.

PreventionGenetics, part of Exact Sciences
Classification: Likely benign for TTN-related condition. Last evaluated: 2022-09-26. Review status: no assertion criteria provided. Collection method: clinical testing. Allele origin: germline. Not counted in ClinVar's aggregate classification.
Comment: This variant is classified as likely benign based on ACMG/AMP sequence variant interpretation guidelines (Richards et al. 2015 PMID: 25741868, with internal and published modifications).

Clinical Genetics, Academic Medical Center
Classification: Likely benign. Review status: no assertion criteria provided. Collection method: clinical testing. Allele origin: germline. Affected: yes. Study: VKGL Data-share Consensus. Not counted in ClinVar's aggregate classification.

Diagnostic Laboratory, Department of Genetics, University Medical Center Groningen
Classification: Likely benign. Review status: no assertion criteria provided. Collection method: clinical testing. Allele origin: germline. Affected: yes. Study: VKGL Data-share Consensus. Not counted in ClinVar's aggregate classification.

Genome Diagnostics Laboratory, University Medical Center Utrecht
Classification: Likely benign. Review status: no assertion criteria provided. Collection method: clinical testing. Allele origin: germline. Affected: yes. Study: VKGL Data-share Consensus. Not counted in ClinVar's aggregate classification.

Joint Genome Diagnostic Labs from Nijmegen and Maastricht, Radboudumc and MUMC+
Classification: Benign. Review status: no assertion criteria provided. Collection method: clinical testing. Allele origin: germline. Affected: yes. Study: VKGL Data-share Consensus. Not counted in ClinVar's aggregate classification.

Literature cited by the submitters: PubMed 26498160 (cited by Women's Health and Genetics/Laboratory Corporation of America, LabCorp); PubMed 27662471 (cited by Women's Health and Genetics/Laboratory Corporation of America, LabCorp); PubMed 28606400 (cited by Women's Health and Genetics/Laboratory Corporation of America, LabCorp).